The following is an entry in ClinVar:

NM_000061.3(BTK):c.1144A>G (p.Lys382Glu)

Gene: BTK (Bruton tyrosine kinase; minus strand). Cytogenetic location: Xq22.1.
Variant type: single nucleotide variant.
Coding change: c.1144A>G on transcript NM_000061.3 (MANE Select); coding-DNA position 1144, A replaced by G.
Protein change: p.Lys382Glu; replaces lysine 382 with glutamic acid.
Molecular consequence: missense variant. On other transcripts: intron variant (1).
Genome position (GRCh38, 1-based): chrX:101,357,542, T>C on the plus strand (A>G on the coding strand, the complement: BTK is on the minus strand). VCF-style: chrX-101357542-T-C. GRCh37 (hg19) VCF-style: chrX-100612530-T-C.
Other names: c.1246A>G, p.Lys416Glu (NM_001287344.2); c.1038+832A>G (NM_001287345.2); short protein forms K382E, K416E.
Identifiers: ClinVar variation 2151731 (VCV002151731.4), dbSNP rs2520564515, ClinGen allele CA413926270.

ClinVar aggregate classification (germline): Uncertain significance (1 of 4 stars; one submission).

Conditions:
X-linked agammaglobulinemia with growth hormone deficiency (IGHD3). Also called: Isolated growth hormone deficiency type 3; Growth hormone deficiency with hypogammaglobulinemia; AGAMMAGLOBULINEMIA AND ISOLATED GROWTH HORMONE DEFICIENCY, X-LINKED; ISOLATED GROWTH HORMONE DEFICIENCY, TYPE III, WITH AGAMMAGLOBULINEMIA; FLEISHER SYNDROME; HYPOGAMMAGLOBULINEMIA AND ISOLATED GROWTH HORMONE DEFICIENCY, X-LINKED. Identifiers: Orphanet 231692, Orphanet 631, MedGen C0472813, MONDO:0010615, OMIM 307200.

Submission:

Labcorp Genetics (formerly Invitae), Labcorp
Classification: Uncertain significance for X-linked agammaglobulinemia with growth hormone deficiency. Last evaluated: 2022-03-04. Review status: criteria provided, single submitter. Criteria: Invitae Variant Classification Sherloc (09022015). Collection method: clinical testing. Allele origin: germline.
Comment: Advanced modeling of protein sequence and biophysical properties (such as structural, functional, and spatial information, amino acid conservation, physicochemical variation, residue mobility, and thermodynamic stability) performed at Invitae indicates that this missense variant is not expected to disrupt BTK protein function. In summary, the available evidence is currently insufficient to determine the role of this variant in disease. Therefore, it has been classified as a Variant of Uncertain Significance. This variant has not been reported in the literature in individuals affected with BTK-related conditions. This variant is not present in population databases (gnomAD no frequency). This sequence change replaces lysine, which is basic and polar, with glutamic acid, which is acidic and polar, at codon 382 of the BTK protein (p.Lys382Glu).